The following is an entry in ClinVar:

NM_013339.4(ALG6):c.250G>A (p.Ala84Thr)

Gene: ALG6 (ALG6 alpha-1,3-glucosyltransferase; plus strand). Cytogenetic location: 1p31.3.
Variant type: single nucleotide variant.
Coding change: c.250G>A on transcript NM_013339.4 (MANE Select); coding-DNA position 250, G replaced by A.
Protein change: p.Ala84Thr; replaces alanine 84 with threonine.
Molecular consequence: missense variant.
Genome position (GRCh38, 1-based): chr1:63,402,336, G>A. VCF-style: chr1-63402336-G-A. GRCh37 (hg19) VCF-style: chr1-63868007-G-A.
Other names: c.250G>A, p.Ala84Thr (LRG_1260t1); short protein forms A84T.
Identifiers: ClinVar variation 556498 (VCV000556498.15), dbSNP rs762643273, ClinGen allele CA888106.
Genomic context (GRCh38, chr1:63,402,336, plus strand): 5'-AATTTACAGTATTGGGGATTGGATTACCCACCTCTTACAGCTTATCATAGTCTCCTATGT[G>A]CATATGTGTAAGTTTTTCTTTCTTAATGTAACTCTAAATTTTTATGCCCTTGGCAGATTT-3'
Protein context (NP_037471.2, residues 74-94): PLTAYHSLLC[Ala84Thr]YVAKFINPDW

ClinVar aggregate classification (germline): Pathogenic/Likely pathogenic. Review status: criteria provided, multiple submitters, no conflicts (2 of 4 stars). 5 submissions from 5 submitters: Pathogenic (2); Likely pathogenic (2). 1 of the submissions does not count toward it. Last evaluated 2025-12-11.

Conditions:
ALG6-related disorder. Also called: ALG6-related condition.
ALG6-congenital disorder of glycosylation 1C (CDG1C). Also called: Congenital disorder of glycosylation, type Ic; CARBOHYDRATE-DEFICIENT GLYCOPROTEIN SYNDROME, TYPE I, WITH DEFICIENT GLYCOSYLATION OF DOLICHOL-LINKED OLIGOSACCHARIDE; CARBOHYDRATE-DEFICIENT GLYCOPROTEIN SYNDROME, TYPE V; Congenital disorder of glycosylation type 1C; CDG Ic. Identifiers: Orphanet 79320, MedGen C2930997, MONDO:0011291, OMIM 603147.

Allele frequency attached by ClinVar (database versions not stated): gnomAD exomes below 0.00001; ExAC 0.00001; gnomAD 0.00001.
gnomAD v4.1: 4 of 1,605,846 alleles (0.00025%); highest among the groups gnomAD compares: Non-Finnish European, 0.00026%; no homozygotes.

Submissions (5):

Labcorp Genetics (formerly Invitae), Labcorp
Classification: Pathogenic for ALG6-congenital disorder of glycosylation 1C. Last evaluated: 2025-12-11. Review status: criteria provided, single submitter. Criteria: Invitae Variant Classification Sherloc (09022015). Collection method: clinical testing. Allele origin: germline.
Comment: This sequence change replaces alanine, which is neutral and non-polar, with threonine, which is neutral and polar, at codon 84 of the ALG6 protein (p.Ala84Thr). This variant is not present in population databases (gnomAD no frequency). This missense change has been observed in individual(s) with ALG6-congenital disorder of glycosylation (PMID: 26453362, 27287710; internal data). ClinVar contains an entry for this variant (Variation ID: 556498). Invitae Evidence Modeling of protein sequence and biophysical properties (such as structural, functional, and spatial information, amino acid conservation, physicochemical variation, residue mobility, and thermodynamic stability) indicates that this missense variant is expected to disrupt ALG6 protein function with a positive predictive value of 95%. For these reasons, this variant has been classified as Pathogenic.

Natera, Inc.
Classification: Likely pathogenic for Congenital disorder of glycosylation type 1c. Last evaluated: 2025-08-07. Review status: criteria provided, single submitter. Criteria: Natera Variant Classification Schema (03/2026). Collection method: clinical testing. Allele origin: germline.
Comment: The c.250G>A variant in ALG6 is a missense variant predicted to cause substitution of alanine to threonine at amino acid 84. This variant is rare in the general population with a frequency below the threshold expected for the associated phenotype(s). This variant has been observed in one or more individuals affected with the associated recessive disease, as either homozygous or compound heterozygous with a second variant (PMID: 26453362, 27287710). This variant has been identified in one or more affected individuals with a phenotype highly consistent with the associated gene (PMID: 26453362). Computational prediction algorithms indicate this variant is likely to affect gene or protein function. Given the available evidence, this variant is classified as Likely Pathogenic.

Blueprint Genetics
Classification: Pathogenic for ALG6-related disorders. Last evaluated: 2024-04-30. Review status: criteria provided, single submitter. Criteria: ACMG Guidelines, 2015. Collection method: clinical testing. Allele origin: germline. Affected: yes. Observed: 1 variant allele.

Centre for Inherited Metabolic Diseases, Karolinska University Hospital
Classification: Likely pathogenic for ALG6-congenital disorder of glycosylation 1C. Last evaluated: 2021-04-13. Review status: criteria provided, single submitter. Criteria: ACMG Guidelines, 2015. Collection method: clinical testing. Allele origin: germline. Inheritance: Autosomal recessive inheritance. Affected: yes. Observed: 1 homozygote.

Counsyl
Classification: Likely pathogenic for ALG6-congenital disorder of glycosylation 1C. Last evaluated: 2018-02-01. Review status: no assertion criteria provided. Collection method: clinical testing. Allele origin: unknown. Not counted in ClinVar's aggregate classification.

Literature cited by the submitters: PubMed 26453362 (cited by 3 submitters); PubMed 27287710 (cited by 3 submitters).